The following is an entry in ClinVar:

NM_006424.3(SLC34A2):c.1244C>G (p.Thr415Ser)

Gene: SLC34A2 (solute carrier family 34 member 2; plus strand). Cytogenetic location: 4p15.2.
Variant type: single nucleotide variant.
Coding change: c.1244C>G on transcript NM_006424.3 (MANE Select); coding-DNA position 1244, C replaced by G.
Protein change: p.Thr415Ser; replaces threonine 415 with serine.
Molecular consequence: missense variant.
Genome position (GRCh38, 1-based): chr4:25,674,323, C>G. VCF-style: chr4-25674323-C-G. GRCh37 (hg19) VCF-style: chr4-25675945-C-G.
Other names: c.1241C>G, p.Thr414Ser (NM_001177998.2, NM_001177999.2); short protein forms T414S, T415S.
Identifiers: ClinVar variation 1033105 (VCV001033105.2), dbSNP rs150747522, ClinGen allele CA2879749.

ClinVar aggregate classification (germline): Uncertain significance. Review status: criteria provided, multiple submitters, no conflicts (2 of 4 stars). 2 submissions from 2 submitters: Uncertain significance (2). Last evaluated 2025-01-17.

Conditions:
PULMONARY ALVEOLAR MICROLITHIASIS. Identifiers: Orphanet 60025, MedGen C0155912, MONDO:0009928, OMIM 265100.
Inborn genetic diseases. Identifiers: MedGen C0950123, MeSH D030342.

Allele frequency attached by ClinVar (database versions not stated): gnomAD exomes 0.00002 and 0.00004; ExAC 0.00006; gnomAD 0.00015 and 0.00017; TOPMed 0.00015; 1000 Genomes Project 30x 0.00016; 1000 Genomes Project 0.00020; ESP Exome Variant Server 0.00023.
gnomAD v4.1: 51 of 1,614,164 alleles (0.0032%); highest among the groups gnomAD compares: African/African-American, 0.055%; no homozygotes.

Submissions (2):

Ambry Genetics
Classification: Uncertain significance for Inborn genetic diseases. Last evaluated: 2025-01-17. Review status: criteria provided, single submitter. Criteria: Ambry Variant Classification Scheme 2023. Collection method: clinical testing. Allele origin: germline.

Baylor Genetics
Classification: Uncertain significance for PULMONARY ALVEOLAR MICROLITHIASIS. Last evaluated: 2018-03-02. Review status: criteria provided, single submitter. Criteria: ACMG Guidelines, 2015. Collection method: clinical testing. Allele origin: maternal. Affected: yes.
Comment: This variant was determined to be of uncertain significance according to ACMG Guidelines, 2015 [PMID:25741868].